The following is an entry in ClinVar:

NM_017617.5(NOTCH1):c.1384C>G (p.Gln462Glu)

Gene: NOTCH1 (notch receptor 1; minus strand). Cytogenetic location: 9q34.3.
Variant type: single nucleotide variant.
Coding change: c.1384C>G on transcript NM_017617.5 (MANE Select); coding-DNA position 1384, C replaced by G.
Protein change: p.Gln462Glu; replaces glutamine 462 with glutamic acid.
Molecular consequence: missense variant.
Genome position (GRCh38, 1-based): chr9:136,517,809, G>C on the plus strand (C>G on the coding strand, the complement: NOTCH1 is on the minus strand). VCF-style: chr9-136517809-G-C. GRCh37 (hg19) VCF-style: chr9-139412261-G-C.
Other names: c.1384C>G (NM_017617.3, NM_017617.4); short protein forms Q462E.
Identifiers: ClinVar variation 1001513 (VCV001001513.10), dbSNP rs747502723, ClinGen allele CA5341820.

ClinVar aggregate classification (germline): Conflicting classifications of pathogenicity. Review status: criteria provided, conflicting classifications (1 of 4 stars). 3 submissions from 3 submitters: Uncertain significance (2); Benign (1). Last evaluated 2024-08-26.

Conditions:
Adams-Oliver syndrome 5 (AOS5). Identifiers: Orphanet 974, MedGen C4014970, MONDO:0014459, OMIM 616028.
NOTCH1-related disorder. Also called: NOTCH1-related condition; NOTCH1-related disorders.
Familial thoracic aortic aneurysm and aortic dissection (TAAD). Also called: Thoracic aortic aneurysms and dissections. Identifiers: Orphanet 91387, MedGen C4707243, MONDO:0019625.

Allele frequency attached by ClinVar (database versions not stated): gnomAD exomes 0.00001; TOPMed 0.00001; ExAC 0.00002.
gnomAD v4.1: 3 of 1,612,746 alleles (0.00019%); highest among the groups gnomAD compares: Admixed American, 0.005%; no homozygotes.

Submissions (3):

Ambry Genetics
Classification: Uncertain significance for Familial thoracic aortic aneurysm and aortic dissection. Last evaluated: 2024-08-26. Review status: criteria provided, single submitter. Criteria: Ambry Variant Classification Scheme 2023. Collection method: clinical testing. Allele origin: germline.

Labcorp Genetics (formerly Invitae), Labcorp
Classification: Benign for Adams-Oliver syndrome 5. Last evaluated: 2023-09-11. Review status: criteria provided, single submitter. Criteria: Invitae Variant Classification Sherloc (09022015). Collection method: clinical testing. Allele origin: germline.

PreventionGenetics, part of Exact Sciences
Classification: Uncertain significance for NOTCH1-related condition. Last evaluated: 2023-08-15. Review status: criteria provided, single submitter. Criteria: ACMG Guidelines, 2015. Collection method: clinical testing. Allele origin: germline.
Comment: The NOTCH1 c.1384C>G variant is predicted to result in the amino acid substitution p.Gln462Glu. To our knowledge, this variant has not been reported in the literature. This variant is reported in 0.0087% of alleles in individuals of Latino descent in gnomAD. At this time, the clinical significance of this variant is uncertain due to the absence of conclusive functional and genetic evidence.